The following is an entry in ClinVar:

NM_138713.4(NFAT5):c.4306C>G (p.Gln1436Glu)

Gene: NFAT5 (nuclear factor of activated T cells 5; plus strand). Cytogenetic location: 16q22.1.
Variant type: single nucleotide variant.
Coding change: c.4306C>G on transcript NM_138713.4 (MANE Select); coding-DNA position 4306, C replaced by G.
Protein change: p.Gln1436Glu; replaces glutamine 1436 with glutamic acid.
Molecular consequence: missense variant.
Genome position (GRCh38, 1-based): chr16:69,694,131, C>G. VCF-style: chr16-69694131-C-G. GRCh37 (hg19) VCF-style: chr16-69728034-C-G.
Other names: c.4306C>G, p.Gln1436Glu (LRG_1332t1); c.4303C>G, p.Gln1435Glu (NM_001113178.3); c.3631C>G, p.Gln1211Glu (NM_001367709.1); c.4252C>G, p.Gln1418Glu (NM_006599.4); c.4024C>G, p.Gln1342Glu (NM_138714.4, NM_173214.3, NM_173215.3); short protein forms Q1342E, Q1436E, Q1211E, Q1418E, Q1435E.
Identifiers: ClinVar variation 580785 (VCV000580785.8), dbSNP rs1567617414, ClinGen allele CA396515506.

ClinVar aggregate classification (germline): Uncertain significance (1 of 4 stars; one submission).

Conditions:
Immunodeficiency. Identifiers: MedGen C0021051, MONDO:0021094, HP:0002721.

gnomAD v4.1: 1 of 1,614,240 alleles (0.000062%); no homozygotes.

Submission:

Labcorp Genetics (formerly Invitae), Labcorp
Classification: Uncertain significance for Immunodeficiency. Last evaluated: 2023-05-16. Review status: criteria provided, single submitter. Criteria: Invitae Variant Classification Sherloc (09022015). Collection method: clinical testing. Allele origin: germline.
Comment: In summary, the available evidence is currently insufficient to determine the role of this variant in disease. Therefore, it has been classified as a Variant of Uncertain Significance. An algorithm developed to predict the effect of missense changes on protein structure and function (PolyPhen-2) suggests that this variant is likely to be disruptive. ClinVar contains an entry for this variant (Variation ID: 580785). This variant has not been reported in the literature in individuals affected with NFAT5-related conditions. This variant is not present in population databases (gnomAD no frequency). This sequence change replaces glutamine, which is neutral and polar, with glutamic acid, which is acidic and polar, at codon 1342 of the NFAT5 protein (p.Gln1342Glu).